The following is an entry in ClinVar:

NM_001081.4(CUBN):c.10032+2T>G

Gene: CUBN (cubilin; minus strand). Cytogenetic location: 10p13.
Variant type: single nucleotide variant.
Coding change: c.10032+2T>G on transcript NM_001081.4 (MANE Select); the canonical splice donor site of the intron after coding-DNA position 10032, T replaced by G.
Molecular consequence: splice donor variant.
Genome position (GRCh38, 1-based): chr10:16,840,328, A>C on the plus strand (T>G on the coding strand, the complement: CUBN is on the minus strand). VCF-style: chr10-16840328-A-C. GRCh37 (hg19) VCF-style: chr10-16882327-A-C.
Identifiers: ClinVar variation 3665453 (VCV003665453.2).

ClinVar aggregate classification (germline): Likely pathogenic (1 of 4 stars; one submission).

Conditions:
Imerslund-Grasbeck syndrome. Also called: PERNICIOUS ANEMIA, JUVENILE, DUE TO SELECTIVE INTESTINAL MALABSORPTION OF VITAMIN B12, WITH PROTEINURIA; Imerslund-Gräsbeck syndrome; ENTEROCYTE COBALAMIN MALABSORPTION; ENTEROCYTE INTRINSIC FACTOR RECEPTOR, DEFECT OF; Megaloblastic anemia due to inborn errors of metabolism. Identifiers: Orphanet 35858, MedGen C4551825, MONDO:0009853.

gnomAD v4.1: 3 of 1,613,340 alleles (0.00019%); highest among the groups gnomAD compares: Non-Finnish European, 0.00017%; no homozygotes.

Submission:

Labcorp Genetics (formerly Invitae), Labcorp
Classification: Likely pathogenic for Imerslund-Grasbeck syndrome. Last evaluated: 2024-01-29. Review status: criteria provided, single submitter. Criteria: Invitae Variant Classification Sherloc (09022015). Collection method: clinical testing. Allele origin: germline.
Comment: This sequence change affects a donor splice site in intron 62 of the CUBN gene. It is expected to disrupt RNA splicing. Variants that disrupt the donor or acceptor splice site typically lead to a loss of protein function (PMID: 16199547), and loss-of-function variants in CUBN are known to be pathogenic (PMID: 15024727, 22929189, 25349199, 31613795, 34979989). This variant is not present in population databases (gnomAD no frequency). This variant has not been reported in the literature in individuals affected with CUBN-related conditions. Algorithms developed to predict the effect of sequence changes on RNA splicing suggest that this variant may disrupt the consensus splice site. In summary, the currently available evidence indicates that the variant is pathogenic, but additional data are needed to prove that conclusively. Therefore, this variant has been classified as Likely Pathogenic.

Literature cited by the submitters: PubMed 16199547; PubMed 15024727; PubMed 22929189; PubMed 25349199; PubMed 31613795; PubMed 34979989.